The following is an entry in ClinVar:

NM_002103.5(GYS1):c.314G>A (p.Arg105His)

Gene: GYS1 (glycogen synthase 1; minus strand). Cytogenetic location: 19q13.33.
Variant type: single nucleotide variant.
Coding change: c.314G>A on transcript NM_002103.5 (MANE Select); coding-DNA position 314, G replaced by A.
Protein change: p.Arg105His; replaces arginine 105 with histidine.
Molecular consequence: missense variant. On other transcripts: non-coding transcript variant (1), intron variant (1).
Genome position (GRCh38, 1-based): chr19:48,987,372, C>T on the plus strand (G>A on the coding strand, the complement: GYS1 is on the minus strand). VCF-style: chr19-48987372-C-T. GRCh37 (hg19) VCF-style: chr19-49490629-C-T.
Other names: c.301-1337G>A (NM_001161587.2); short protein forms R105H.
Identifiers: ClinVar variation 654802 (VCV000654802.8), dbSNP rs775388088, ClinGen allele CA9563374.

ClinVar aggregate classification (germline): Uncertain significance. Review status: criteria provided, multiple submitters, no conflicts (2 of 4 stars). 3 submissions from 3 submitters: Uncertain significance (3). Last evaluated 2026-01-05.

Conditions:
Glycogen storage disease due to muscle and heart glycogen synthase deficiency. Also called: GSD 0b; MUSCLE GLYCOGEN SYNTHASE DEFICIENCY. Identifiers: Orphanet 137625, MedGen C1969054, MONDO:0012693, OMIM 611556.
Inborn genetic diseases. Identifiers: MedGen C0950123, MeSH D030342.

Allele frequency attached by ClinVar (database versions not stated): gnomAD 0.00001 and 0.00002; ExAC 0.00033; TOPMed 0.00006.

Submissions (3):

Labcorp Genetics (formerly Invitae), Labcorp
Classification: Uncertain significance for Glycogen storage disease due to muscle and heart glycogen synthase deficiency. Last evaluated: 2026-01-05. Review status: criteria provided, single submitter. Criteria: Invitae Variant Classification Sherloc (09022015). Collection method: clinical testing. Allele origin: germline.
Comment: This sequence change replaces arginine, which is basic and polar, with histidine, which is basic and polar, at codon 105 of the GYS1 protein (p.Arg105His). This variant is present in population databases (rs775388088, gnomAD 0.1%). This variant has not been reported in the literature in individuals affected with GYS1-related conditions. ClinVar contains an entry for this variant (Variation ID: 654802). Invitae Evidence Modeling of protein sequence and biophysical properties (such as structural, functional, and spatial information, amino acid conservation, physicochemical variation, residue mobility, and thermodynamic stability) indicates that this missense variant is not expected to disrupt GYS1 protein function with a negative predictive value of 80%. In summary, the available evidence is currently insufficient to determine the role of this variant in disease. Therefore, it has been classified as a Variant of Uncertain Significance.

Ambry Genetics
Classification: Uncertain significance for Inborn genetic diseases. Last evaluated: 2024-06-28. Review status: criteria provided, single submitter. Criteria: Ambry Variant Classification Scheme 2023. Collection method: clinical testing. Allele origin: germline.

Baylor Genetics
Classification: Uncertain significance for Glycogen storage disease due to muscle and heart glycogen synthase deficiency. Last evaluated: 2023-04-27. Review status: criteria provided, single submitter. Criteria: ACMG Guidelines, 2015. Collection method: clinical testing. Allele origin: unknown.